The following is an entry in ClinVar:

NM_177402.5(SYT2):c.1157G>A (p.Arg386Gln)

Gene: SYT2 (synaptotagmin 2; minus strand). Cytogenetic location: 1q32.1.
Variant type: single nucleotide variant.
Coding change: c.1157G>A on transcript NM_177402.5 (MANE Select); coding-DNA position 1157, G replaced by A.
Protein change: p.Arg386Gln; replaces arginine 386 with glutamine.
Molecular consequence: missense variant.
Genome position (GRCh38, 1-based): chr1:202,596,860, C>T on the plus strand (G>A on the coding strand, the complement: SYT2 is on the minus strand). VCF-style: chr1-202596860-C-T. GRCh37 (hg19) VCF-style: chr1-202565988-C-T.
Other names: c.1157G>A, p.Arg386Gln (NM_001136504.1); short protein forms R386Q.
Identifiers: ClinVar variation 1515151 (VCV001515151.6), dbSNP rs1399437693, ClinGen allele CA344255853.

ClinVar aggregate classification (germline): Uncertain significance (1 of 4 stars; one submission).

Allele frequency attached by ClinVar (database versions not stated): gnomAD 0.00001; gnomAD exomes 0.00002; TOPMed 0.00002.
gnomAD v4.1: 25 of 1,614,068 alleles (0.0015%); highest among the groups gnomAD compares: East Asian, 0.013%; no homozygotes.

Submission:

Labcorp Genetics (formerly Invitae), Labcorp
Classification: Uncertain significance. Last evaluated: 2021-09-24. Review status: criteria provided, single submitter. Criteria: Invitae Variant Classification Sherloc (09022015). Collection method: clinical testing. Allele origin: germline.
Comment: This variant is not present in population databases (ExAC no frequency). This variant has not been reported in the literature in individuals affected with SYT2-related conditions. Algorithms developed to predict the effect of missense changes on protein structure and function are either unavailable or do not agree on the potential impact of this missense change (SIFT: "Deleterious"; PolyPhen-2: "Benign"; Align-GVGD: "Class C0"). In summary, the available evidence is currently insufficient to determine the role of this variant in disease. Therefore, it has been classified as a Variant of Uncertain Significance. This sequence change replaces arginine with glutamine at codon 386 of the SYT2 protein (p.Arg386Gln). The arginine residue is moderately conserved and there is a small physicochemical difference between arginine and glutamine.